The following is an entry in ClinVar:

NM_003285.3(TNR):c.1710C>T (p.Tyr570=)

Gene: TNR (tenascin R; minus strand). Cytogenetic location: 1q25.1.
Variant type: single nucleotide variant.
Coding change: c.1710C>T on transcript NM_003285.3 (MANE Select); coding-DNA position 1710, C replaced by T.
Protein change: p.Tyr570=; no amino-acid change (tyrosine 570 retained).
Molecular consequence: synonymous variant.
Genome position (GRCh38, 1-based): chr1:175,386,099, G>A on the plus strand (C>T on the coding strand, the complement: TNR is on the minus strand). VCF-style: chr1-175386099-G-A. GRCh37 (hg19) VCF-style: chr1-175355235-G-A.
Other names: c.711C>T, p.Tyr237= (NM_001328635.2).
Identifiers: ClinVar variation 4821424 (VCV004821424.4).

ClinVar aggregate classification (germline): Likely benign (1 of 4 stars; one submission).

gnomAD v4.1: 251 of 1,612,490 alleles (0.016%); highest among the groups gnomAD compares: Non-Finnish European, 0.014%; no homozygotes.

Submission:

CeGaT Center for Human Genetics Tuebingen
Classification: Likely benign. Last evaluated: 2026-03-01. Review status: criteria provided, single submitter. Criteria: CeGaT Center For Human Genetics Tuebingen Variant Classification Criteria Version 2. Collection method: clinical testing. Allele origin: germline. Affected: yes. Observed: 1 variant allele.
Comment: TNR: BP4, BP7